The following is an entry in ClinVar:

ClinVar aggregate classification (germline): Uncertain significance. Review status: criteria provided, multiple submitters, no conflicts (2 of 4 stars). 2 submissions from 2 submitters: Uncertain significance (2). Last evaluated 2025-10-05.

Conditions:
Ectodermal dysplasia and immunodeficiency 2. Identifiers: Orphanet 238468, Orphanet 98813, MedGen C2677481, MONDO:0012806, OMIM 612132.
Inborn genetic diseases. Identifiers: MedGen C0950123, MeSH D030342.

Allele frequency attached by ClinVar (database versions not stated): gnomAD 0.00001; TOPMed 0.00003; ESP Exome Variant Server 0.00008; 1000 Genomes Project 0.00020; 1000 Genomes Project 30x 0.00031.
gnomAD v4.1: 13 of 1,542,190 alleles (0.00084%); highest among the groups gnomAD compares: African/African-American, 0.0028%; no homozygotes.

Submissions (2):

Labcorp Genetics (formerly Invitae), Labcorp
Classification: Uncertain significance for Ectodermal dysplasia and immunodeficiency 2. Last evaluated: 2025-10-05. Review status: criteria provided, single submitter. Criteria: Invitae Variant Classification Sherloc (09022015). Collection method: clinical testing. Allele origin: germline.
Comment: This sequence change replaces serine, which is neutral and polar, with leucine, which is neutral and non-polar, at codon 63 of the NFKBIA protein (p.Ser63Leu). The frequency data for this variant in the population databases is considered unreliable, as metrics indicate poor data quality at this position in the gnomAD database. This variant has not been reported in the literature in individuals affected with NFKBIA-related conditions. ClinVar contains an entry for this variant (Variation ID: 951666). An algorithm developed to predict the effect of missense changes on protein structure and function (PolyPhen-2) suggests that this variant is likely to be tolerated. In summary, the available evidence is currently insufficient to determine the role of this variant in disease. Therefore, it has been classified as a Variant of Uncertain Significance.

Ambry Genetics
Classification: Uncertain significance for Inborn genetic diseases. Last evaluated: 2024-08-11. Review status: criteria provided, single submitter. Criteria: Ambry Variant Classification Scheme 2023. Collection method: clinical testing. Allele origin: germline.

NM_020529.3(NFKBIA):c.188C>T (p.Ser63Leu)

Gene: NFKBIA (NFKB inhibitor alpha; minus strand). Cytogenetic location: 14q13.2.
Variant type: single nucleotide variant.
Coding change: c.188C>T on transcript NM_020529.3 (MANE Select); coding-DNA position 188, C replaced by T.
Protein change: p.Ser63Leu; replaces serine 63 with leucine.
Molecular consequence: missense variant.
Genome position (GRCh38, 1-based): chr14:35,404,457, G>A on the plus strand (C>T on the coding strand, the complement: NFKBIA is on the minus strand). VCF-style: chr14-35404457-G-A. GRCh37 (hg19) VCF-style: chr14-35873663-G-A.
Other names: short protein forms S63L.
Identifiers: ClinVar variation 951666 (VCV000951666.11), dbSNP rs376762724, ClinGen allele CA7155580.